The following is an entry in ClinVar:

NM_001142800.2(EYS):c.1068C>A (p.Cys356Ter)

Gene: EYS (EGF-like photoreceptor maintenance factor; minus strand). Cytogenetic location: 6q12.
Variant type: single nucleotide variant.
Coding change: c.1068C>A on transcript NM_001142800.2 (MANE Select); coding-DNA position 1068, C replaced by A.
Protein change: p.Cys356Ter; replaces cysteine 356 with a stop codon.
Molecular consequence: nonsense.
Genome position (GRCh38, 1-based): chr6:65,402,594, G>T on the plus strand (C>A on the coding strand, the complement: EYS is on the minus strand). VCF-style: chr6-65402594-G-T. GRCh37 (hg19) VCF-style: chr6-66112487-G-T.
Other names: c.1068C>A, p.Cys356Ter (NM_001142801.2, NM_001292009.2, NM_198283.2); short protein forms C356*.
Identifiers: ClinVar variation 866204 (VCV000866204.9), dbSNP rs1766556883, ClinGen allele CA364662507.

ClinVar aggregate classification (germline): Pathogenic/Likely pathogenic. Review status: criteria provided, multiple submitters, no conflicts (2 of 4 stars). 2 submissions from 2 submitters: Pathogenic (1); Likely pathogenic (1). Last evaluated 2021-10-07.

Conditions:
EYS-related disorder. Also called: EYS-related condition.

Allele frequency attached by ClinVar (database versions not stated): gnomAD exomes below 0.00001.
gnomAD v4.1: 2 of 1,573,424 alleles (0.00013%); highest among the groups gnomAD compares: Non-Finnish European, 0.00017%; no homozygotes.

Submissions (2):

Labcorp Genetics (formerly Invitae), Labcorp
Classification: Pathogenic. Last evaluated: 2021-10-07. Review status: criteria provided, single submitter. Criteria: Invitae Variant Classification Sherloc (09022015). Collection method: clinical testing. Allele origin: germline.
Comment: For these reasons, this variant has been classified as Pathogenic. ClinVar contains an entry for this variant (Variation ID: 866204). This variant has not been reported in the literature in individuals affected with EYS-related conditions. This variant is not present in population databases (ExAC no frequency). This sequence change creates a premature translational stop signal (p.Cys356*) in the EYS gene. It is expected to result in an absent or disrupted protein product. Loss-of-function variants in EYS are known to be pathogenic (PMID: 18836446, 20333770).

Blueprint Genetics
Classification: Likely pathogenic for EYS-related disorders. Last evaluated: 2020-10-19. Review status: criteria provided, single submitter. Criteria: ACMG Guidelines, 2015. Collection method: clinical testing. Allele origin: germline. Affected: yes. Observed: 2 variant alleles.

Literature cited by the submitters: PubMed 18836446 (cited by Labcorp Genetics (formerly Invitae), Labcorp); PubMed 20333770 (cited by Labcorp Genetics (formerly Invitae), Labcorp).